The following is an entry in ClinVar:

NM_001378969.1(KCND3):c.1256G>A (p.Arg419His)

Gene: KCND3 (potassium voltage-gated channel subfamily D member 3; minus strand). Cytogenetic location: 1p13.2.
Variant type: single nucleotide variant.
Coding change: c.1256G>A on transcript NM_001378969.1 (MANE Select); coding-DNA position 1256, G replaced by A.
Protein change: p.Arg419His; replaces arginine 419 with histidine.
Molecular consequence: missense variant.
Genome position (GRCh38, 1-based): chr1:111,786,957, C>T on the plus strand (G>A on the coding strand, the complement: KCND3 is on the minus strand). VCF-style: chr1-111786957-C-T. GRCh37 (hg19) VCF-style: chr1-112329579-C-T.
Other names: c.1256G>A, p.Arg419His (NM_001378970.1, NM_004980.5, NM_172198.3); short protein forms R419H.
Identifiers: ClinVar variation 393083 (VCV000393083.5), dbSNP rs774338559, ClinGen allele CA1007498.

ClinVar aggregate classification (germline): Uncertain significance. Review status: criteria provided, multiple submitters, no conflicts (2 of 4 stars). 3 submissions from 3 submitters: Uncertain significance (3). Last evaluated 2023-04-24.

Conditions:
Cardiovascular phenotype. Identifiers: MedGen CN230736.

Allele frequency attached by ClinVar (database versions not stated): gnomAD exomes 0.00001 and 0.00002; TOPMed 0.00002; ExAC 0.00003.
gnomAD v4.1: 13 of 1,614,140 alleles (0.00081%); highest among the groups gnomAD compares: South Asian, 0.0011%; no homozygotes.

Submissions (3):

Ambry Genetics
Classification: Uncertain significance for Cardiovascular phenotype. Last evaluated: 2023-04-24. Review status: criteria provided, single submitter. Criteria: Ambry Variant Classification Scheme 2023. Collection method: clinical testing. Allele origin: germline.
Comment: The p.R419H variant (also known as c.1256G>A), located in coding exon 2 of the KCND3 gene, results from a G to A substitution at nucleotide position 1256. The arginine at codon 419 is replaced by histidine, an amino acid with highly similar properties. This variant has been detected in an individual reported to have progressive cerebellar ataxia, parkinsonism, cognitive impairment, and iron accumulation in the basal ganglia and the cerebellum (Hsiao CT et al. Int J Mol Sci, 2021 Jul;22). Functional studies suggest this variant may result in an increase in potassium current and enhanced window current; however, the physiological relevance of this finding is unclear (Hsiao CT et al. Int J Mol Sci, 2021 Jul;22). This amino acid position is highly conserved in available vertebrate species. In addition, the in silico prediction for this alteration is inconclusive. Since supporting evidence is limited at this time, the clinical significance of this alteration remains unclear.

AiLife Diagnostics
Classification: Uncertain significance. Last evaluated: 2021-07-20. Review status: criteria provided, single submitter. Criteria: ACMG Guidelines, 2015. Collection method: clinical testing. Allele origin: germline. Affected: yes. Observed: 3 variant alleles.

GeneDx
Classification: Uncertain significance. Last evaluated: 2018-03-07. Review status: criteria provided, single submitter. Criteria: GeneDx Variant Classification (06012015). Collection method: clinical testing. Allele origin: germline. Affected: yes.
Comment: The R419H variant in the KCND3 gene has not been reported previously as a pathogenic variant, nor as a benign variant, to our knowledge. The R419H variant was not observed in approximately 6500 individuals of European and African American ancestry in the NHLBI Exome Sequencing Project, indicating it is not a common benign variant in these populations. The R419H variant is a conservative amino acid substitution, which is not likely to impact secondary protein structure as these residues share similar properties. This substitution occurs at a position that is conserved across species, and in silico analysis predicts this variant is probably damaging to the protein structure/function. We interpret R419H as a variant of uncertain significance.

Literature cited by the submitters: PubMed 34361012 (cited by Ambry Genetics).